The following is an entry in ClinVar:

NM_000117.3(EMD):c.494C>T (p.Thr165Met)

Gene: EMD (emerin; plus strand). Cytogenetic location: Xq28.
Variant type: single nucleotide variant.
Coding change: c.494C>T on transcript NM_000117.3 (MANE Select); coding-DNA position 494, C replaced by T.
Protein change: p.Thr165Met; replaces threonine 165 with methionine.
Molecular consequence: missense variant.
Genome position (GRCh38, 1-based): chrX:154,380,926, C>T. VCF-style: chrX-154380926-C-T. GRCh37 (hg19) VCF-style: chrX-153609286-C-T.
Other names: short protein forms T165M.
Identifiers: ClinVar variation 42275 (VCV000042275.14), dbSNP rs397515751, ClinGen allele CA131127.

ClinVar aggregate classification (germline): Uncertain significance. Review status: criteria provided, multiple submitters, no conflicts (2 of 4 stars). 4 submissions from 4 submitters: Uncertain significance (3). 1 of the submissions does not count toward it. Last evaluated 2025-05-13.

Conditions:
Cardiovascular phenotype. Identifiers: MedGen CN230736.
Emery-Dreifuss muscular dystrophy (EDMD). Also called: Scapuloperoneal syndrome, X-linked (formerly); Humeroperoneal neuromuscular disease, (formerly). Identifiers: Orphanet 261, MedGen C0410189, MONDO:0016830.
X-linked Emery-Dreifuss muscular dystrophy. Also called: Muscular dystrophy, tardive Emery-Dreifuss type, with contractures. Identifiers: Orphanet 261, Orphanet 98863, MedGen C0751337, MONDO:0010680.

Allele frequency attached by ClinVar (database versions not stated): gnomAD exomes below 0.00001; gnomAD 0.00001; TOPMed 0.00002.

Submissions (4):

Labcorp Genetics (formerly Invitae), Labcorp
Classification: Uncertain significance for X-linked Emery-Dreifuss muscular dystrophy. Last evaluated: 2025-05-13. Review status: criteria provided, single submitter. Criteria: Invitae Variant Classification Sherloc (09022015). Collection method: clinical testing. Allele origin: germline.
Comment: This sequence change replaces threonine, which is neutral and polar, with methionine, which is neutral and non-polar, at codon 165 of the EMD protein (p.Thr165Met). This variant is not present in population databases (gnomAD no frequency). This variant has not been reported in the literature in individuals affected with EMD-related conditions. ClinVar contains an entry for this variant (Variation ID: 42275). Invitae Evidence Modeling of protein sequence and biophysical properties (such as structural, functional, and spatial information, amino acid conservation, physicochemical variation, residue mobility, and thermodynamic stability) indicates that this missense variant is not expected to disrupt EMD protein function with a negative predictive value of 80%. In summary, the available evidence is currently insufficient to determine the role of this variant in disease. Therefore, it has been classified as a Variant of Uncertain Significance.

Ambry Genetics
Classification: Uncertain significance for Cardiovascular phenotype. Last evaluated: 2020-07-16. Review status: criteria provided, single submitter. Criteria: Ambry Variant Classification Scheme 2023. Collection method: clinical testing. Allele origin: germline.

Laboratory for Molecular Medicine, Mass General Brigham Personalized Medicine
Classification: Uncertain significance. Last evaluated: 2012-08-22. Review status: criteria provided, single submitter. Criteria: LMM Criteria. Collection method: clinical testing. Allele origin: germline. Observed: 1 variant allele.
Comment: Variant classified as Uncertain Significance - Favor Benign. The Thr165Met varia nt in EMD has not been reported in the literature nor previously identified by o ur laboratory. Threonine (Thr) at position 165 is not conserved in mammals or ev olutionarily distant species, suggesting that this change may be tolerated. Addi tional computational analyses (biochemical amino acid properties, AlignGVGD, and PolyPhen2) suggest that this variant may not impact the protein, though this in formation is not predictive enough to rule out pathogenicity. Although the lack of amino acid conservation supports that the Thr165Met variant may be benign, ad ditional studies are needed to fully assess its clinical significance.

Natera, Inc.
Classification: Uncertain significance for Emery-Dreifuss muscular dystrophy. Last evaluated: 2020-10-10. Review status: no assertion criteria provided. Collection method: clinical testing. Allele origin: germline. Not counted in ClinVar's aggregate classification.